The following is an entry in ClinVar:

NM_003356.4(UCP3):c.366C>T (p.Ala122=)

Gene: UCP3 (uncoupling protein 3; minus strand). Cytogenetic location: 11q13.4.
Variant type: single nucleotide variant.
Coding change: c.366C>T on transcript NM_003356.4 (MANE Select); coding-DNA position 366, C replaced by T.
Protein change: p.Ala122=; no amino-acid change (alanine 122 retained).
Molecular consequence: synonymous variant.
Genome position (GRCh38, 1-based): chr11:74,005,905, G>A on the plus strand (C>T on the coding strand, the complement: UCP3 is on the minus strand). VCF-style: chr11-74005905-G-A. GRCh37 (hg19) VCF-style: chr11-73716950-G-A.
Other names: c.366C>T, p.Ala122= (NM_022803.3).
Identifiers: ClinVar variation 1337612 (VCV001337612.8), dbSNP rs140869187, ClinGen allele CA6181506.

ClinVar aggregate classification (germline): Likely benign. Review status: criteria provided, multiple submitters, no conflicts (2 of 4 stars). 3 submissions from 3 submitters: Likely benign (2). 1 of the submissions does not count toward it. Last evaluated 2025-05-02.

Conditions:
UCP3-related disorder. Also called: UCP3-related condition.

Allele frequency attached by ClinVar (database versions not stated): TOPMed 0.00035; gnomAD exomes 0.00041; ESP Exome Variant Server 0.00015; gnomAD 0.00029 and 0.00031.
gnomAD v4.1: 639 of 1,614,006 alleles (0.04%); highest among the groups gnomAD compares: Non-Finnish European, 0.052%; no homozygotes.

Submissions (3):

Labcorp Genetics (formerly Invitae), Labcorp
Classification: Likely benign. Last evaluated: 2025-05-02. Review status: criteria provided, single submitter. Criteria: Invitae Variant Classification Sherloc (09022015). Collection method: clinical testing. Allele origin: germline.

Genetic Services Laboratory, University of Chicago
Classification: Likely benign. Last evaluated: 2021-04-15. Review status: criteria provided, single submitter. Criteria: ACMG Guidelines, 2015. Collection method: clinical testing. Allele origin: germline. Affected: no.

PreventionGenetics, part of Exact Sciences
Classification: Likely benign for UCP3-related condition. Last evaluated: 2021-07-20. Review status: no assertion criteria provided. Collection method: clinical testing. Allele origin: germline. Not counted in ClinVar's aggregate classification.
Comment: This variant is classified as likely benign based on ACMG/AMP sequence variant interpretation guidelines (Richards et al. 2015 PMID: 25741868, with internal and published modifications).